The following is an entry in ClinVar:

ClinVar aggregate classification (germline): Likely benign. Review status: criteria provided, multiple submitters, no conflicts (2 of 4 stars). 2 submissions from 2 submitters: Likely benign (2). Last evaluated 2026-01-21.

Allele frequency attached by ClinVar (database versions not stated): gnomAD exomes below 0.00001; TOPMed 0.00001.
gnomAD v4.1: 4 of 1,581,634 alleles (0.00025%); highest among the groups gnomAD compares: East Asian, 0.0023%; no homozygotes.

Submissions (2):

Labcorp Genetics (formerly Invitae), Labcorp
Classification: Likely benign. Last evaluated: 2026-01-21. Review status: criteria provided, single submitter. Criteria: Invitae Variant Classification Sherloc (09022015). Collection method: clinical testing. Allele origin: germline.

GeneDx
Classification: Likely benign. Last evaluated: 2016-08-04. Review status: criteria provided, single submitter. Criteria: GeneDx Variant Classification (06012015). Collection method: clinical testing. Allele origin: germline. Affected: yes.
Comment: This variant is considered likely benign or benign based on one or more of the following criteria: it is a conservative change, it occurs at a poorly conserved position in the protein, it is predicted to be benign by multiple in silico algorithms, and/or has population frequency not consistent with disease.

NM_006231.4(POLE):c.6531+15C>T

Gene: POLE (DNA polymerase epsilon, catalytic subunit; minus strand). Cytogenetic location: 12q24.33.
Variant type: single nucleotide variant.
Coding change: c.6531+15C>T on transcript NM_006231.4 (MANE Select); 15 bases into the intron after coding-DNA position 6531, C replaced by T.
Molecular consequence: intron variant.
Genome position (GRCh38, 1-based): chr12:132,626,102, G>A on the plus strand (C>T on the coding strand, the complement: POLE is on the minus strand). VCF-style: chr12-132626102-G-A. GRCh37 (hg19) VCF-style: chr12-133202688-G-A.
Identifiers: ClinVar variation 388395 (VCV000388395.8), dbSNP rs1057523088, ClinGen allele CA16607122.